The following is an entry in ClinVar:

NM_001276345.2(TNNT2):c.209T>A (p.Met70Lys)

Gene: TNNT2 (troponin T2, cardiac type; minus strand). Cytogenetic location: 1q32.1.
Variant type: single nucleotide variant.
Coding change: c.209T>A on transcript NM_001276345.2 (MANE Select); coding-DNA position 209, T replaced by A.
Protein change: p.Met70Lys; replaces methionine 70 with lysine.
Molecular consequence: missense variant.
Genome position (GRCh38, 1-based): chr1:201,366,862, A>T on the plus strand (T>A on the coding strand, the complement: TNNT2 is on the minus strand). VCF-style: chr1-201366862-A-T. GRCh37 (hg19) VCF-style: chr1-201335990-A-T.
Other names: c.209T>A, p.Met70Lys (NM_000364.4, NM_001406723.1); c.179T>A, p.Met60Lys (NM_001001430.3, NM_001001431.3, NM_001276347.2 and 3 more transcripts); c.164T>A, p.Met55Lys (NM_001001432.3, NM_001406728.1); c.206T>A, p.Met69Lys (NM_001276346.2); c.176T>A, p.Met59Lys (NM_001406725.1); short protein forms M55K, M60K, M69K, M59K, M70K.
Identifiers: ClinVar variation 1780341 (VCV001780341.3), dbSNP rs2527052135, ClinGen allele CA344206807.

ClinVar aggregate classification (germline): Uncertain significance. Review status: criteria provided, multiple submitters, no conflicts (2 of 4 stars). 2 submissions from 2 submitters: Uncertain significance (2). Last evaluated 2024-05-14.

Conditions:
Cardiomyopathy (CMYO). Also called: Cardiomyopathies. Identifiers: Orphanet 167848, MedGen C0878544, MONDO:0004994, HP:0001638. Inheritance: Various modes of inheritance.
Cardiovascular phenotype. Identifiers: MedGen CN230736.

Submissions (2):

All of Us Research Program, National Institutes of Health
Classification: Uncertain significance for Cardiomyopathy. Last evaluated: 2024-05-14. Review status: criteria provided, single submitter. Criteria: ACMG Guidelines, 2015. Collection method: clinical testing. Allele origin: germline. Inheritance: Autosomal dominant inheritance. Observed: 1 variant allele, 1 heterozygote.
Comment: This missense variant replaces methionine with lysine at codon 60 of the TNNT2 protein. Computational prediction suggests that this variant may not impact protein structure and function (internally defined REVEL score threshold <= 0.5, PMID: 27666373). To our knowledge, functional studies have not been reported for this variant. This variant has not been reported in individuals affected with TNNT2-related disorders in the literature. This variant has not been identified in the general population by the Genome Aggregation Database (gnomAD). The available evidence is insufficient to determine the role of this variant in disease conclusively. Therefore, this variant is classified as a Variant of Uncertain Significance.

This study involves interpretation of variants in research participants for the purpose of population health screening. Participant phenotype was not available at the time of variant classification. Additional details can be found in publication PMID: 35346344, PMCID: PMC8962531

Ambry Genetics
Classification: Uncertain significance for Cardiovascular phenotype. Last evaluated: 2021-01-05. Review status: criteria provided, single submitter. Criteria: Ambry Variant Classification Scheme 2023. Collection method: clinical testing. Allele origin: germline.
Comment: The p.M60K variant (also known as c.179T>A), located in coding exon 6 of the TNNT2 gene, results from a T to A substitution at nucleotide position 179. The methionine at codon 60 is replaced by lysine, an amino acid with similar properties. This amino acid position is poorly conserved in available vertebrate species. In addition, the in silico prediction for this alteration is inconclusive. Since supporting evidence is limited at this time, the clinical significance of this alteration remains unclear.